The following is an entry in ClinVar:

NM_000487.6(ARSA):c.421C>T (p.Gln141Ter)

Gene: ARSA (arylsulfatase A; minus strand). Cytogenetic location: 22q13.33.
Variant type: single nucleotide variant.
Coding change: c.421C>T on transcript NM_000487.6 (MANE Select); coding-DNA position 421, C replaced by T.
Protein change: p.Gln141Ter; replaces glutamine 141 with a stop codon.
Molecular consequence: nonsense.
Genome position (GRCh38, 1-based): chr22:50,627,210, G>A on the plus strand (C>T on the coding strand, the complement: ARSA is on the minus strand). VCF-style: chr22-50627210-G-A. GRCh37 (hg19) VCF-style: chr22-51065638-G-A.
Other names: c.421C>T, p.Gln141Ter (NM_001085425.3, NM_001085426.3, NM_001085427.3); c.163C>T, p.Gln55Ter (NM_001085428.3, NM_001362782.2); short protein forms Q141*, Q55*.
Identifiers: ClinVar variation 370738 (VCV000370738.5), dbSNP rs1057516730, ClinGen allele CA16042044.

ClinVar aggregate classification (germline): Conflicting classifications of pathogenicity. Review status: no assertion criteria provided (0 of 4 stars). 2 submissions from 2 submitters: Likely pathogenic (1); Uncertain significance (1). Last evaluated 2023-05-24.

Conditions:
Metachromatic leukodystrophy (MLD). Also called: Cerebral sclerosis diffuse metachromatic form; Arylsulfatase A Deficiency; SULFATIDE LIPIDOSIS; CEREBROSIDE SULFATASE DEFICIENCY; METACHROMATIC LEUKOENCEPHALOPATHY; ARSA DEFICIENCY. Identifiers: Orphanet 512, MedGen C0023522, MONDO:0018868, OMIM 250100.

Submissions (2):

Molecular Genetic Laboratory, Kuwait Medical Genetic Center
Classification: Uncertain significance for Metachromatic leukodystrophy. Last evaluated: 2023-05-24. Review status: no assertion criteria provided. Collection method: clinical testing. Allele origin: germline. Inheritance: Autosomal recessive inheritance. Affected: no. Observed: 1 homozygote.
Comment: This variant change has been reported by a single submitter as a likely pathogenic (Variation ID: 370738) in Metachromatic leukodystrophy (PMID: 26462614). This raised a suspension on the clinical significance of this variant.

Counsyl
Classification: Likely pathogenic for Metachromatic leukodystrophy. Last evaluated: 2016-04-05. Review status: no assertion criteria provided. Collection method: clinical testing. Allele origin: unknown.

Literature cited by the submitters: PubMed 26462614 (cited by Counsyl).